The following is an entry in ClinVar:

NM_006258.4(PRKG1):c.1147G>A (p.Val383Ile)

Gene: PRKG1 (protein kinase cGMP-dependent 1; plus strand). Cytogenetic location: 10q21.1.
Variant type: single nucleotide variant.
Coding change: c.1147G>A on transcript NM_006258.4 (MANE Select); coding-DNA position 1147, G replaced by A.
Protein change: p.Val383Ile; replaces valine 383 with isoleucine.
Molecular consequence: missense variant. On other transcripts: 5 prime UTR variant (1).
Genome position (GRCh38, 1-based): chr10:52,251,640, G>A. VCF-style: chr10-52251640-G-A. GRCh37 (hg19) VCF-style: chr10-54011400-G-A.
Other names: c.1102G>A, p.Val368Ile (NM_001098512.3); c.-63G>A (NM_001374781.1); short protein forms V368I, V383I.
Identifiers: ClinVar variation 3717754 (VCV003717754.2).

ClinVar aggregate classification (germline): Uncertain significance (1 of 4 stars; one submission).

Conditions:
Aortic aneurysm, familial thoracic 8 (AAT8). Identifiers: MedGen C3809513, MONDO:0014187, OMIM 615436.

Submission:

Labcorp Genetics (formerly Invitae), Labcorp
Classification: Uncertain significance for Aortic aneurysm, familial thoracic 8. Last evaluated: 2024-06-13. Review status: criteria provided, single submitter. Criteria: Invitae Variant Classification Sherloc (09022015). Collection method: clinical testing. Allele origin: germline.
Comment: This sequence change replaces valine, which is neutral and non-polar, with isoleucine, which is neutral and non-polar, at codon 383 of the PRKG1 protein (p.Val383Ile). This variant is not present in population databases (gnomAD no frequency). This variant has not been reported in the literature in individuals affected with PRKG1-related conditions. An algorithm developed to predict the effect of missense changes on protein structure and function (PolyPhen-2) suggests that this variant is likely to be tolerated. In summary, the available evidence is currently insufficient to determine the role of this variant in disease. Therefore, it has been classified as a Variant of Uncertain Significance.